The following is an entry in ClinVar:

ClinVar aggregate classification (germline): Uncertain significance (1 of 4 stars; one submission).

Conditions:
ABCC12-related condition.

Submission:

PreventionGenetics, part of Exact Sciences
Classification: Uncertain significance for ABCC12-related condition. Last evaluated: 2026-09-14. Review status: criteria provided, single submitter. Criteria: ACMG Guidelines, 2015. Collection method: clinical testing. Allele origin: germline.
Comment: The ABCC12 c.727A>T variant is predicted to result in the amino acid substitution p.Thr243Ser. To our knowledge, this variant has not been reported in the literature or in a large population database (gnomAD), indicating this variant is rare. At this time, the clinical significance of this variant is uncertain due to the absence of conclusive functional and genetic evidence.

NM_001393797.1(ABCC12):c.727A>T (p.Thr243Ser)

Gene: ABCC12 (ATP binding cassette subfamily C member 12; minus strand). Cytogenetic location: 16q12.1.
Variant type: single nucleotide variant.
Coding change: c.727A>T on transcript NM_001393797.1 (MANE Select); coding-DNA position 727, A replaced by T.
Protein change: p.Thr243Ser; replaces threonine 243 with serine.
Molecular consequence: missense variant. On other transcripts: non-coding transcript variant (5).
Genome position (GRCh38, 1-based): chr16:48,139,267, T>A on the plus strand (A>T on the coding strand, the complement: ABCC12 is on the minus strand). VCF-style: chr16-48139267-T-A. GRCh37 (hg19) VCF-style: chr16-48173178-T-A.
Other names: c.727A>T, p.Thr243Ser (NM_001392028.1, NM_033226.3); short protein forms T243S.
Identifiers: ClinVar variation 4994256 (VCV004994256.1).